The following is an entry in ClinVar:

ClinVar aggregate classification (germline): Uncertain significance (1 of 4 stars; one submission).

Submission:

Women's Health and Genetics/Laboratory Corporation of America, LabCorp
Classification: Uncertain significance. Last evaluated: 2024-11-14. Review status: criteria provided, single submitter. Criteria: LabCorp Variant Classification Summary - May 2015. Collection method: clinical testing. Allele origin: germline.
Comment: Variant summary: The variant involves the duplication of exon 1 in the ATPAF2 gene. A presumed nomenclature of c.(?_-156)_(133+1_134-1)dup has been designated for the purposes of this classification. The exact breakpoint at the 5' end of this variant is unknown, therefore this duplication may extend upstream of the annotated region of this gene. It is predicted to duplicate a segment including the initiation codon, therefore its impact on the encoded protein is unknown. The variant was absent in 21694 control chromosomes. The available data on variant occurrences in the general population are insufficient to allow any conclusion about variant significance. To our knowledge, no occurrence of c.(?_-156)_(133+1_134-1)dup in individuals affected with Mitochondrial Complex V (ATP Synthase) Deficiency, Nuclear Type 1 and no experimental evidence demonstrating its impact on protein function have been reported. No submitters have cited clinical-significance assessments for this variant to ClinVar. Based on the evidence outlined above, the variant was classified as uncertain significance.

NC_000017.10:g.(17931974_17942194)_(17942483_?)dup

Gene: ATPAF2 (ATP synthase mitochondrial F1 complex assembly factor 2; minus strand). Cytogenetic location: 17p11.2.
Variant type: Duplication.
Identifiers: ClinVar variation 3629636 (VCV003629636.1).